The following is an entry in ClinVar:

ClinVar aggregate classification (germline): Pathogenic. Review status: criteria provided, multiple submitters, no conflicts (2 of 4 stars). 3 submissions from 3 submitters: Pathogenic (3). Last evaluated 2025-11-10.

Conditions:
Methylmalonic aciduria due to complete methylmalonyl-CoA mutase deficiency.

Allele frequency attached by ClinVar (database versions not stated): gnomAD exomes below 0.00001; gnomAD 0.00001; TOPMed 0.00001.
gnomAD v4.1: 4 of 1,613,864 alleles (0.00025%); highest among the groups gnomAD compares: African/African-American, 0.0013%; no homozygotes.

Submissions (3):

Natera, Inc.
Classification: Pathogenic for Methylmalonic aciduria due to complete methylmalonyl-CoA mutase deficiency. Last evaluated: 2025-11-10. Review status: criteria provided, single submitter. Criteria: Natera Variant Classification Schema (03/2026). Collection method: clinical testing. Allele origin: germline.
Comment: The c.109C>T variant in MMUT is a nonsense variant predicted to introduce a stop codon at amino acid 37. This variant is expected to result in nonsense mediated decay, truncation, or a dysfunctional protein product. This variant is rare in the general population with a frequency below the threshold expected for the associated phenotype(s). This variant has been observed in one or more individuals affected with the associated recessive disease, as either homozygous or compound heterozygous with a second variant (PMID: 26615597). Given the available evidence, this variant is classified as Pathogenic.

Labcorp Genetics (formerly Invitae), Labcorp
Classification: Pathogenic. Last evaluated: 2022-06-27. Review status: criteria provided, single submitter. Criteria: Invitae Variant Classification Sherloc (09022015). Collection method: clinical testing. Allele origin: germline.
Comment: For these reasons, this variant has been classified as Pathogenic. ClinVar contains an entry for this variant (Variation ID: 871258). This premature translational stop signal has been observed in individuals with methylmalonic aciduria (PMID: 26615597). This variant is not present in population databases (gnomAD no frequency). This sequence change creates a premature translational stop signal (p.Gln37*) in the MUT gene. It is expected to result in an absent or disrupted protein product. Loss-of-function variants in MUT are known to be pathogenic (PMID: 15781192).

CeGaT Center for Human Genetics Tuebingen
Classification: Pathogenic. Last evaluated: 2018-12-01. Review status: criteria provided, single submitter. Criteria: CeGaT Center For Human Genetics Tuebingen Variant Classification Criteria Version 2. Collection method: clinical testing. Allele origin: germline. Affected: yes. Observed: 1 variant allele.

Literature cited by the submitters: PubMed 26615597 (cited by Natera, Inc. and Labcorp Genetics (formerly Invitae), Labcorp); PubMed 15781192 (cited by Labcorp Genetics (formerly Invitae), Labcorp).

NM_000255.4(MMUT):c.109C>T (p.Gln37Ter)

Gene: MMUT (methylmalonyl-CoA mutase; minus strand). Cytogenetic location: 6p12.3.
Variant type: single nucleotide variant.
Coding change: c.109C>T on transcript NM_000255.4 (MANE Select); coding-DNA position 109, C replaced by T.
Protein change: p.Gln37Ter; replaces glutamine 37 with a stop codon.
Molecular consequence: nonsense.
Genome position (GRCh38, 1-based): chr6:49,459,358, G>A on the plus strand (C>T on the coding strand, the complement: MMUT is on the minus strand). VCF-style: chr6-49459358-G-A. GRCh37 (hg19) VCF-style: chr6-49427071-G-A.
Other names: c.109C>T (NM_000255.3); short protein forms Q37*.
Identifiers: ClinVar variation 871258 (VCV000871258.48), dbSNP rs1487859107, ClinGen allele CA364405725.